The following is an entry in ClinVar:

NM_001323289.2(CDKL5):c.377G>A (p.Cys126Tyr)

Gene: CDKL5 (cyclin dependent kinase like 5; plus strand). Cytogenetic location: Xp22.13.
Variant type: single nucleotide variant.
Coding change: c.377G>A on transcript NM_001323289.2 (MANE Select); coding-DNA position 377, G replaced by A.
Protein change: p.Cys126Tyr; replaces cysteine 126 with tyrosine.
Molecular consequence: missense variant.
Genome position (GRCh38, 1-based): chrX:18,579,942, G>A. VCF-style: chrX-18579942-G-A. GRCh37 (hg19) VCF-style: chrX-18598062-G-A.
Other names: NM_003159.3:c.377G>A; c.377G>A, p.Cys126Tyr (NM_001037343.2, NM_003159.3); short protein forms C126Y.
Identifiers: ClinVar variation 3344014 (VCV003344014.2).

ClinVar aggregate classification (germline): Conflicting classifications of pathogenicity. Review status: criteria provided, conflicting classifications (1 of 4 stars). 2 submissions from 2 submitters: Likely pathogenic (1); Uncertain significance (1). Last evaluated 2024-10-16.

Conditions:
Developmental and epileptic encephalopathy, 2 (DEE2). Also called: INFANTILE SPASM SYNDROME, X-LINKED 2; CDKL5 deficiency disorder. Identifiers: Orphanet 1934, Orphanet 3451, Orphanet 505652, MedGen C4750718, MONDO:0010396, OMIM 300672.
CDKL5 disorder. Identifiers: MedGen CN296942, MONDO:0100039.

Submissions (2):

3billion
Classification: Likely pathogenic for Developmental and epileptic encephalopathy, 2. Last evaluated: 2024-10-16. Review status: criteria provided, single submitter. Criteria: ACMG Guidelines, 2015. Collection method: clinical testing. Allele origin: germline. Affected: yes.
Comment: The variant is not observed in the gnomAD v4.1.0 dataset. Predicted Consequence/Location: Missense variant In silico tool predictions suggest damaging effect of the variant on gene or gene product [REVEL: 0.70 (>=0.6, sensitivity 0.68 and specificity 0.92); 3Cnet: 0.99 (>=0.6, sensitivity 0.72 and precision 0.9)]. The same nucleotide change resulting in the same amino acid change has been previously reported to be associated with CDKL5-related disorder (PMID: 22872100). Therefore, this variant is classified as Likely pathogenic according to the recommendation of ACMG/AMP guideline.

Centre for Population Genomics, CPG
Classification: Uncertain significance for CDKL5 disorder. Last evaluated: 2024-07-16. Review status: criteria provided, single submitter. Criteria: McKnight et al. (Hum Mutat. 2022). Collection method: curation. Allele origin: germline. Inheritance: X-linked inheritance.
Comment: This variant has been collected from RettBASE and curated to current modified ACMG/AMP criteria. Based on the classification scheme defined by the ClinGen Rett/Angelman-like Expert Panel for Rett/AS-like Disorders Specifications to the ACMG/AMP Variant Interpretation Guidelines VCEP 3.0, this variant is classified as variant of uncertain significance. At least the following criteria are met: This variant is absent from gnomAD (PM2_Supporting). Has been observed in at least 1 individual with phenotypes consistent with CDKL5 disorder (PMID: 22872100).

Literature cited by the submitters: PubMed 22872100 (cited by 3billion).